The following is an entry in ClinVar:

NM_004444.5(EPHB4):c.961A>T (p.Thr321Ser)

Gene: EPHB4 (EPH receptor B4; minus strand). Cytogenetic location: 7q22.1.
Variant type: single nucleotide variant.
Coding change: c.961A>T on transcript NM_004444.5 (MANE Select); coding-DNA position 961, A replaced by T.
Protein change: p.Thr321Ser; replaces threonine 321 with serine.
Molecular consequence: missense variant.
Genome position (GRCh38, 1-based): chr7:100,820,144, T>A on the plus strand (A>T on the coding strand, the complement: EPHB4 is on the minus strand). VCF-style: chr7-100820144-T-A. GRCh37 (hg19) VCF-style: chr7-100417766-T-A.
Other names: short protein forms T321S.
Identifiers: ClinVar variation 2696447 (VCV002696447.3), dbSNP rs2485037586, ClinGen allele CA368577225.

ClinVar aggregate classification (germline): Uncertain significance (1 of 4 stars; one submission).

Submission:

Labcorp Genetics (formerly Invitae), Labcorp
Classification: Uncertain significance. Last evaluated: 2023-11-17. Review status: criteria provided, single submitter. Criteria: Invitae Variant Classification Sherloc (09022015). Collection method: clinical testing. Allele origin: germline.
Comment: This sequence change replaces threonine, which is neutral and polar, with serine, which is neutral and polar, at codon 321 of the EPHB4 protein (p.Thr321Ser). This variant is not present in population databases (gnomAD no frequency). This variant has not been reported in the literature in individuals affected with EPHB4-related conditions. Advanced modeling of protein sequence and biophysical properties (such as structural, functional, and spatial information, amino acid conservation, physicochemical variation, residue mobility, and thermodynamic stability) performed at Invitae indicates that this missense variant is not expected to disrupt EPHB4 protein function with a negative predictive value of 80%. In summary, the available evidence is currently insufficient to determine the role of this variant in disease. Therefore, it has been classified as a Variant of Uncertain Significance.